The following is an entry in ClinVar:

NM_001184.4(ATR):c.1187T>C (p.Leu396Pro)

Gene: ATR (ATR serine/threonine kinase; minus strand). Cytogenetic location: 3q23.
Variant type: single nucleotide variant.
Coding change: c.1187T>C on transcript NM_001184.4 (MANE Select); coding-DNA position 1187, T replaced by C.
Protein change: p.Leu396Pro; replaces leucine 396 with proline.
Molecular consequence: missense variant.
Genome position (GRCh38, 1-based): chr3:142,561,405, A>G on the plus strand (T>C on the coding strand, the complement: ATR is on the minus strand). VCF-style: chr3-142561405-A-G. GRCh37 (hg19) VCF-style: chr3-142280247-A-G.
Other names: c.1187T>C, p.Leu396Pro (NM_001354579.2); short protein forms L396P.
Identifiers: ClinVar variation 3462483 (VCV003462483.1).

ClinVar aggregate classification (germline): Uncertain significance (1 of 4 stars; one submission).

Conditions:
Inborn genetic diseases. Identifiers: MedGen C0950123, MeSH D030342.

Submission:

Ambry Genetics
Classification: Uncertain significance for Inborn genetic diseases. Last evaluated: 2024-07-28. Review status: criteria provided, single submitter. Criteria: Ambry Variant Classification Scheme 2023. Collection method: clinical testing. Allele origin: germline.
Comment: The p.L396P variant (also known as c.1187T>C), located in coding exon 5 of the ATR gene, results from a T to C substitution at nucleotide position 1187. The leucine at codon 396 is replaced by proline, an amino acid with similar properties. This amino acid position is conserved. In addition, the in silico prediction for this alteration is inconclusive. Based on the available evidence, the clinical significance of this variant remains unclear.